The following is an entry in ClinVar:

NM_000038.6(APC):c.4054del (p.Val1352fs)

Gene: APC (APC regulator of Wnt signaling pathway; plus strand). Cytogenetic location: 5q22.2.
Variant type: Deletion.
Coding change: c.4054del on transcript NM_000038.6 (MANE Select); coding-DNA position 4054, one base deleted (G; older notation c.4054delG).
Protein change: p.Val1352fs; shifts the reading frame from valine 1352.
Molecular consequence: frameshift variant.
Genome position (GRCh38, 1-based): chr5:112,839,648, G deleted. VCF-style (leftmost placement, unchanged base first): chr5-112839647-TG-T. GRCh37 (hg19) VCF-style: chr5-112175344-TG-T.
Other names: c.4054del, p.Val1352fs (NM_001127510.3, NM_001354895.2); c.4000del, p.Val1334fs (NM_001127511.3); c.4108del, p.Val1370fs (NM_001354896.2); c.4084del, p.Val1362fs (NM_001354897.2); c.3979del, p.Val1327fs (NM_001354898.2); c.3970del, p.Val1324fs (NM_001354899.2); c.3931del, p.Val1311fs (NM_001354900.2); c.3877del, p.Val1293fs (NM_001354901.2); and 5 more; short protein forms V1251fs, V1334fs, V1352fs, V1192fs, V1226fs, V1311fs, V1327fs, V1370fs.
Identifiers: ClinVar variation 428120 (VCV000428120.3), dbSNP rs1114167566, ClinGen allele CA645369377.

ClinVar aggregate classification (germline): Pathogenic (1 of 4 stars; one submission).

Conditions:
Hereditary cancer-predisposing syndrome. Also called: Hereditary Cancer Syndrome; Neoplastic Syndromes, Hereditary; Hereditary neoplastic syndrome; Tumor predisposition. Identifiers: Orphanet 140162, MedGen C0027672, MeSH D009386, MONDO:0015356.

Submission:

Ambry Genetics
Classification: Pathogenic for Hereditary cancer-predisposing syndrome. Last evaluated: 2014-11-26. Review status: criteria provided, single submitter. Criteria: Ambry Autosomal Dominant and X-Linked criteria (10/2015). Collection method: clinical testing. Allele origin: germline. Observed: 1 variant allele.
Comment: The c.4054delG pathogenic mutation, located in coding exon 15 of the APC gene, results from a deletion of a single nucleotide at position 4054, causing a translational frameshift with a predicted alternate stop codon. Since frameshifts are typically deleterious in nature, this alteration is interpreted as a disease-causing mutation (ACMG Recommendations for Standards for Interpretation and Reporting of Sequence Variations. Revision 2007. Genet Med. 2008;10:294).